The following is an entry in ClinVar:

ClinVar aggregate classification (germline): Likely pathogenic (1 of 4 stars; one submission).

Conditions:
46,XX ovarian dysgenesis-short stature syndrome (ODG4). Also called: OVARIAN DYSGENESIS 4. Identifiers: Orphanet 444048, MedGen C4015409, MONDO:0014520, OMIM 616185.

Submission:

Juno Genomics, Hangzhou Juno Genomics, Inc
Classification: Likely pathogenic for 46,XX ovarian dysgenesis-short stature syndrome. Review status: criteria provided, single submitter. Criteria: ACMG Guidelines, 2015. Collection method: clinical testing. Allele origin: germline.
Comment: Null variant in a gene where loss of function (LOF) is a known mechanism of disease.;Absent from controls (or at extremely low frequency if recessive) in Genome Aggregation Database.

NM_017696.3(MCM9):c.1307dup (p.Ser437fs)

Gene: MCM9 (minichromosome maintenance 9 homologous recombination repair factor; minus strand). Cytogenetic location: 6q22.31.
Variant type: Duplication.
Coding change: c.1307dup on transcript NM_017696.3 (MANE Select); coding-DNA position 1307, one base duplicated (T; older notation c.1307dupT).
Protein change: p.Ser437fs; shifts the reading frame from serine 437.
Molecular consequence: frameshift variant.
Genome position (GRCh38, 1-based): chr6:118,856,389, A duplicated on the plus strand (T on the coding strand, the reverse complement: MCM9 is on the minus strand). VCF-style (leftmost placement, unchanged base first): chr6-118856388-T-TA. GRCh37 (hg19) VCF-style: chr6-119177551-T-TA.
Other names: c.1307dup, p.Ser437fs (NM_001378360.1, NM_001378364.1, NM_001378356.1 and 2 more transcripts); c.1181dup, p.Ser395fs (NM_001378366.1); c.1109dup, p.Ser371fs (NM_001378367.1); short protein forms S371fs, S437fs, S395fs.
Identifiers: ClinVar variation 5006961 (VCV005006961.2).